The following is an entry in ClinVar:

NM_006015.6(ARID1A):c.2341A>G (p.Ile781Val)

Gene: ARID1A (AT-rich interaction domain 1A; plus strand). Cytogenetic location: 1p36.11.
Variant type: single nucleotide variant.
Coding change: c.2341A>G on transcript NM_006015.6 (MANE Select); coding-DNA position 2341, A replaced by G.
Protein change: p.Ile781Val; replaces isoleucine 781 with valine.
Molecular consequence: missense variant.
Genome position (GRCh38, 1-based): chr1:26,762,241, A>G. VCF-style: chr1-26762241-A-G. GRCh37 (hg19) VCF-style: chr1-27088732-A-G.
Other names: c.2341A>G, p.Ile781Val (NM_139135.4); short protein forms I781V.
Identifiers: ClinVar variation 1314744 (VCV001314744.6), dbSNP rs2124063841, ClinGen allele CA339155298.

ClinVar aggregate classification (germline): Conflicting classifications of pathogenicity. Review status: criteria provided, conflicting classifications (1 of 4 stars). 2 submissions from 2 submitters: Likely pathogenic (1); Uncertain significance (1). Last evaluated 2024-02-12.

Submissions (2):

GeneDx
Classification: Likely pathogenic. Last evaluated: 2024-02-12. Review status: criteria provided, single submitter. Criteria: GeneDx Variant Classification Process June 2021. Collection method: clinical testing. Allele origin: germline. Affected: yes.
Comment: Not observed at significant frequency in large population cohorts (gnomAD); In silico analysis supports that this missense variant does not alter protein structure/function; In silico analysis suggests this variant may impact gene splicing. In the absence of RNA/functional studies, the actual effect of this sequence change is unknown.; Has not been previously published as pathogenic or benign to our knowledge

Blueprint Genetics
Classification: Uncertain significance. Last evaluated: 2021-08-19. Review status: criteria provided, single submitter. Criteria: ACMG Guidelines, 2015. Collection method: clinical testing. Allele origin: germline.